The following is an entry in ClinVar:

ClinVar aggregate classification (germline): Uncertain significance (1 of 4 stars; one submission).

Submission:

Ambry Genetics
Classification: Uncertain significance. Last evaluated: 2021-10-16. Review status: criteria provided, single submitter. Criteria: Ambry Variant Classification Scheme 2023. Collection method: clinical testing. Allele origin: germline.
Comment: The p.D135E variant (also known as c.405C>G), located in coding exon 5 of the RAD54L gene, results from a C to G substitution at nucleotide position 405. The aspartic acid at codon 135 is replaced by glutamic acid, an amino acid with highly similar properties. This amino acid position is conserved. In addition, the in silico prediction for this alteration is inconclusive. Since supporting evidence is limited at this time, the clinical significance of this alteration remains unclear.

NM_003579.4(RAD54L):c.405C>G (p.Asp135Glu)

Gene: RAD54L (RAD54 like; plus strand). Cytogenetic location: 1p34.1.
Variant type: single nucleotide variant.
Coding change: c.405C>G on transcript NM_003579.4 (MANE Select); coding-DNA position 405, C replaced by G.
Protein change: p.Asp135Glu; replaces aspartic acid 135 with glutamic acid.
Molecular consequence: missense variant. On other transcripts: 5 prime UTR variant (1).
Genome position (GRCh38, 1-based): chr1:46,260,097, C>G. VCF-style: chr1-46260097-C-G. GRCh37 (hg19) VCF-style: chr1-46725769-C-G.
Other names: c.405C>G, p.Asp135Glu (NM_001142548.2); c.-136C>G (NM_001370766.1); short protein forms D135E.
Identifiers: ClinVar variation 1737448 (VCV001737448.2), dbSNP rs2525665484, ClinGen allele CA340182915.